The following is an entry in ClinVar:

ClinVar aggregate classification (germline): Uncertain significance. Review status: criteria provided, multiple submitters, no conflicts (2 of 4 stars). 4 submissions from 4 submitters: Uncertain significance (4). Last evaluated 2026-09-01.

Conditions:
Cardiovascular phenotype. Identifiers: MedGen CN230736.
TTN-related disorder. Also called: TTN-related disorders; TTN-related condition; TTN-related disease.
Dilated cardiomyopathy 1G (CMD1G). Identifiers: Orphanet 154, MedGen C1858763, MONDO:0011400, OMIM 604145.
Autosomal recessive limb-girdle muscular dystrophy type 2J (LGMDR10). Also called: Limb-girdle muscular dystrophy, type 2J; MUSCULAR DYSTROPHY, LIMB-GIRDLE, AUTOSOMAL RECESSIVE 10. Identifiers: Orphanet 140922, MedGen C1837342, MONDO:0012127, OMIM 608807.

Allele frequency attached by ClinVar (database versions not stated): gnomAD exomes 0.00002 and 0.00005; TOPMed 0.00002; gnomAD 0.00003; ExAC 0.00004.
gnomAD v4.1: 40 of 1,612,514 alleles (0.0025%); highest among the groups gnomAD compares: Admixed American, 0.013%; no homozygotes.

Submissions (4):

CeGaT Center for Human Genetics Tuebingen
Classification: Uncertain significance. Last evaluated: 2026-09-01. Review status: criteria provided, single submitter. Criteria: CeGaT Center For Human Genetics Tuebingen Variant Classification Criteria Version 2. Collection method: clinical testing. Allele origin: germline. Affected: yes. Observed: 1 variant allele.
Comment: TTN: PM2, BP4

PreventionGenetics, part of Exact Sciences
Classification: Uncertain significance for TTN-related condition. Last evaluated: 2025-06-18. Review status: criteria provided, single submitter. Criteria: ACMG Guidelines, 2015. Collection method: clinical testing. Allele origin: germline.
Comment: The TTN c.48023G>A variant is predicted to result in the amino acid substitution p.Arg16008Gln. To our knowledge, this variant has not been reported in the literature. This variant is reported in 0.017% of alleles in individuals of East Asian descent in gnomAD. At this time, the clinical significance of this variant is uncertain due to the absence of conclusive functional and genetic evidence.

Ambry Genetics
Classification: Uncertain significance for Cardiovascular phenotype. Last evaluated: 2019-11-21. Review status: criteria provided, single submitter. Criteria: Ambry Variant Classification Scheme 2023. Collection method: clinical testing. Allele origin: germline.
Comment: The p.R6943Q variant (also known as c.20828G>A), located in coding exon 83 of the TTN gene, results from a G to A substitution at nucleotide position 20828. The arginine at codon 6943 is replaced by glutamine, an amino acid with highly similar properties. This amino acid position is highly conserved in available vertebrate species. In addition, this alteration is predicted to be tolerated by in silico analysis. Since supporting evidence is limited at this time, the clinical significance of this alteration remains unclear.

Labcorp Genetics (formerly Invitae), Labcorp
Classification: Uncertain significance for Dilated cardiomyopathy 1G; Autosomal recessive limb-girdle muscular dystrophy type 2J. Last evaluated: 2017-02-13. Review status: criteria provided, single submitter. Criteria: Invitae Variant Classification Sherloc (09022015). Collection method: clinical testing. Allele origin: germline.

NM_001267550.2(TTN):c.48023G>A (p.Arg16008Gln)

Genes: TTN (titin; minus strand), TTN-AS1 (TTN antisense RNA 1; plus strand). Cytogenetic location: 2q31.2.
Variant type: single nucleotide variant.
Coding change: c.48023G>A on transcript NM_001267550.2 (MANE Select); coding-DNA position 48023, G replaced by A.
Protein change: p.Arg16008Gln; replaces arginine 16008 with glutamine.
Molecular consequence: missense variant.
Genome position (GRCh38, 1-based): chr2:178,616,866, C>T on the plus strand (G>A on the coding strand, the complement: TTN is on the minus strand). VCF-style: chr2-178616866-C-T. GRCh37 (hg19) VCF-style: chr2-179481593-C-T.
Other names: c.43100G>A, p.Arg14367Gln (NM_001256850.1); c.20828G>A, p.Arg6943Gln (NM_003319.4); c.40319G>A, p.Arg13440Gln (NM_133378.4); c.21203G>A, p.Arg7068Gln (NM_133432.3); c.21404G>A, p.Arg7135Gln (NM_133437.4); short protein forms R16008Q, R7135Q, R14367Q, R6943Q, R13440Q, R7068Q.
Identifiers: ClinVar variation 467196 (VCV000467196.7), dbSNP rs771224957, ClinGen allele CA1994928.